The following is an entry in ClinVar:

ClinVar aggregate classification (germline): Likely pathogenic (1 of 4 stars; one submission).

Submission:

Dasa
Classification: Likely pathogenic. Last evaluated: 2026-03-31. Review status: criteria provided, single submitter. Criteria: DASA Assertion Criteria. Collection method: clinical testing. Allele origin: germline.
Comment: NM_006502.3(POLH):c.940C>T (p.Gln314*) is a nonsense variant in POLH predicted to introduce a premature termination codon and is predicted to result in an absent or altered protein product. Loss of function is an established disease mechanism for POLH-associated disorders. Also, this variant is rare in population databases. Based on the currently available evidence, this variant is classified as likely pathogenic.

NM_006502.3(POLH):c.940C>T (p.Gln314Ter)

Gene: POLH (DNA polymerase eta; plus strand). Cytogenetic location: 6p21.1.
Variant type: single nucleotide variant.
Coding change: c.940C>T on transcript NM_006502.3 (MANE Select); coding-DNA position 940, C replaced by T.
Protein change: p.Gln314Ter; replaces glutamine 314 with a stop codon.
Molecular consequence: nonsense.
Genome position (GRCh38, 1-based): chr6:43,604,670, C>T. VCF-style: chr6-43604670-C-T. GRCh37 (hg19) VCF-style: chr6-43572407-C-T.
Other names: c.568C>T, p.Gln190Ter (NM_001291969.2); c.940C>T, p.Gln314Ter (NM_001291970.2); short protein forms Q190*, Q314*.
Identifiers: ClinVar variation 4886714 (VCV004886714.2).